The following is an entry in ClinVar:

ClinVar aggregate classification (germline): Conflicting classifications of pathogenicity. Review status: criteria provided, conflicting classifications (1 of 4 stars). 2 submissions from 2 submitters: Uncertain significance (1); Likely benign (1). Last evaluated 2026-04-27.

Conditions:
Hereditary cancer-predisposing syndrome. Also called: Neoplastic Syndromes, Hereditary; Tumor predisposition; Hereditary Cancer Syndrome; Hereditary neoplastic syndrome. Identifiers: Orphanet 140162, MedGen C0027672, MeSH D009386, MONDO:0015356.
Familial cancer of breast. Also called: BREAST CANCER, FAMILIAL; Hereditary breast cancer; hereditary breast carcinoma. Identifiers: Orphanet 227535, MedGen C0346153, MONDO:0016419, OMIM 114480. Disease mechanism: loss of function.

Submissions (2):

Ambry Genetics
Classification: Likely benign for Hereditary cancer-predisposing syndrome. Last evaluated: 2026-04-27. Review status: criteria provided, single submitter. Criteria: Ambry Variant Classification Scheme 2023. Collection method: clinical testing. Allele origin: germline.

Labcorp Genetics (formerly Invitae), Labcorp
Classification: Uncertain significance for Familial cancer of breast. Last evaluated: 2024-05-06. Review status: criteria provided, single submitter. Criteria: Invitae Variant Classification Sherloc (09022015). Collection method: clinical testing. Allele origin: germline.
Comment: This sequence change replaces serine, which is neutral and polar, with asparagine, which is neutral and polar, at codon 608 of the PALB2 protein (p.Ser608Asn). This variant is not present in population databases (gnomAD no frequency). This variant has not been reported in the literature in individuals affected with PALB2-related conditions. ClinVar contains an entry for this variant (Variation ID: 1780800). Advanced modeling of protein sequence and biophysical properties (such as structural, functional, and spatial information, amino acid conservation, physicochemical variation, residue mobility, and thermodynamic stability) performed at Invitae indicates that this missense variant is not expected to disrupt PALB2 protein function with a negative predictive value of 80%. Algorithms developed to predict the effect of sequence changes on RNA splicing suggest that this variant may create or strengthen a splice site. In summary, the available evidence is currently insufficient to determine the role of this variant in disease. Therefore, it has been classified as a Variant of Uncertain Significance.

NM_024675.4(PALB2):c.1823G>A (p.Ser608Asn)

Gene: PALB2 (partner and localizer of BRCA2; minus strand). Cytogenetic location: 16p12.2.
Variant type: single nucleotide variant.
Coding change: c.1823G>A on transcript NM_024675.4 (MANE Select); coding-DNA position 1823, G replaced by A.
Protein change: p.Ser608Asn; replaces serine 608 with asparagine.
Molecular consequence: missense variant.
Genome position (GRCh38, 1-based): chr16:23,630,331, C>T on the plus strand (G>A on the coding strand, the complement: PALB2 is on the minus strand). VCF-style: chr16-23630331-C-T. GRCh37 (hg19) VCF-style: chr16-23641652-C-T.
Other names: c.1763G>A, p.Ser588Asn (NM_001407296.1); c.1823G>A, p.Ser608Asn (NM_001407297.1, NM_001407298.1, NM_001407299.1 and 3 more transcripts); c.938G>A, p.Ser313Asn (NM_001407304.1, NM_001407305.1, NM_001407306.1 and 5 more transcripts); c.35G>A, p.Ser12Asn (NM_001407312.1, NM_001407313.1); short protein forms S12N, S313N, S588N, S608N.
Identifiers: ClinVar variation 1780800 (VCV001780800.8), dbSNP rs2142388424, ClinGen allele CA395127961.